The following is an entry in ClinVar:

ClinVar aggregate classification (germline): Uncertain significance. Review status: criteria provided, multiple submitters, no conflicts (2 of 4 stars). 2 submissions from 2 submitters: Uncertain significance (2). Last evaluated 2025-07-28.

Conditions:
Deficiency of aromatic-L-amino-acid decarboxylase. Also called: AADC DEFICIENCY; DDC DEFICIENCY; DOPA DECARBOXYLASE DEFICIENCY; Aromatic amino acid decarboxylase deficiency; Aromatic L-Amino Acid Decarboxylase Deficiency. Identifiers: Orphanet 35708, MedGen C1291564, MONDO:0012084, OMIM 608643.

Allele frequency attached by ClinVar (database versions not stated): gnomAD 0.00001 and 0.00002; gnomAD exomes 0.00001; ExAC 0.00002; TOPMed 0.00003.
gnomAD v4.1: 30 of 1,613,070 alleles (0.0019%); highest among the groups gnomAD compares: Non-Finnish European, 0.0023%; no homozygotes.

Submissions (2):

Labcorp Genetics (formerly Invitae), Labcorp
Classification: Uncertain significance for Deficiency of aromatic-L-amino-acid decarboxylase. Last evaluated: 2025-07-28. Review status: criteria provided, single submitter. Criteria: Invitae Variant Classification Sherloc (09022015). Collection method: clinical testing. Allele origin: germline.
Comment: This sequence change replaces glycine, which is neutral and non-polar, with serine, which is neutral and polar, at codon 258 of the DDC protein (p.Gly258Ser). This variant is present in population databases (rs766285406, gnomAD 0.003%). This variant has not been reported in the literature in individuals affected with DDC-related conditions. ClinVar contains an entry for this variant (Variation ID: 911387). Invitae Evidence Modeling of protein sequence and biophysical properties (such as structural, functional, and spatial information, amino acid conservation, physicochemical variation, residue mobility, and thermodynamic stability) indicates that this missense variant is not expected to disrupt DDC protein function with a negative predictive value of 80%. In summary, the available evidence is currently insufficient to determine the role of this variant in disease. Therefore, it has been classified as a Variant of Uncertain Significance.

Illumina Laboratory Services, Illumina
Classification: Uncertain significance for Deficiency of aromatic-L-amino-acid decarboxylase. Last evaluated: 2018-01-13. Review status: criteria provided, single submitter. Criteria: ICSL Variant Classification Criteria 13 December 2019. Collection method: clinical testing. Allele origin: germline.

NM_001082971.2(DDC):c.772G>A (p.Gly258Ser)

Gene: DDC (dopa decarboxylase; minus strand). Cytogenetic location: 7p12.1.
Variant type: single nucleotide variant.
Coding change: c.772G>A on transcript NM_001082971.2 (MANE Select); coding-DNA position 772, G replaced by A.
Protein change: p.Gly258Ser; replaces glycine 258 with serine.
Molecular consequence: missense variant.
Genome position (GRCh38, 1-based): chr7:50,504,002, C>T on the plus strand (G>A on the coding strand, the complement: DDC is on the minus strand). VCF-style: chr7-50504002-C-T. GRCh37 (hg19) VCF-style: chr7-50571700-C-T.
Other names: c.772G>A, p.Gly258Ser (NM_000790.4, NM_001242890.2); c.658G>A, p.Gly220Ser (NM_001242886.2); c.628G>A, p.Gly210Ser (NM_001242887.2); c.538G>A, p.Gly180Ser (NM_001242888.2); c.493G>A, p.Gly165Ser (NM_001242889.2); short protein forms G180S, G258S, G210S, G165S, G220S.
Identifiers: ClinVar variation 911387 (VCV000911387.9), dbSNP rs766285406, ClinGen allele CA4262259.